The following is an entry in ClinVar:

NM_006182.4(DDR2):c.1697A>G (p.Lys566Arg)

Gene: DDR2 (discoidin domain receptor tyrosine kinase 2; plus strand). Cytogenetic location: 1q23.3.
Variant type: single nucleotide variant.
Coding change: c.1697A>G on transcript NM_006182.4 (MANE Select); coding-DNA position 1697, A replaced by G.
Protein change: p.Lys566Arg; replaces lysine 566 with arginine.
Molecular consequence: missense variant.
Genome position (GRCh38, 1-based): chr1:162,772,216, A>G. VCF-style: chr1-162772216-A-G. GRCh37 (hg19) VCF-style: chr1-162742006-A-G.
Other names: c.1697A>G, p.Lys566Arg (NM_001014796.3, NM_001354982.2, NM_001354983.2); short protein forms K566R.
Identifiers: ClinVar variation 4809916 (VCV004809916.1).

ClinVar aggregate classification (germline): Uncertain significance (1 of 4 stars; one submission).

gnomAD v4.1: 2 of 1,614,194 alleles (0.00012%); highest among the groups gnomAD compares: Non-Finnish European, 0.000085%; no homozygotes.

Submission:

Labcorp Genetics (formerly Invitae), Labcorp
Classification: Uncertain significance. Last evaluated: 2026-01-26. Review status: criteria provided, single submitter. Criteria: Invitae Variant Classification Sherloc (09022015). Collection method: clinical testing. Allele origin: germline.
Comment: This sequence change replaces lysine, which is basic and polar, with arginine, which is basic and polar, at codon 566 of the DDR2 protein (p.Lys566Arg). This variant is not present in population databases (gnomAD no frequency). This variant has not been reported in the literature in individuals affected with DDR2-related conditions. An algorithm developed to predict the effect of missense changes on protein structure and function (PolyPhen-2) suggests that this variant is likely to be tolerated. In summary, the available evidence is currently insufficient to determine the role of this variant in disease. Therefore, it has been classified as a Variant of Uncertain Significance.